The following is an entry in ClinVar:

NM_004370.6(COL12A1):c.6842G>A (p.Gly2281Glu)

Gene: COL12A1 (collagen type XII alpha 1 chain; minus strand). Cytogenetic location: 6q13.
Variant type: single nucleotide variant.
Coding change: c.6842G>A on transcript NM_004370.6 (MANE Select); coding-DNA position 6842, G replaced by A.
Protein change: p.Gly2281Glu; replaces glycine 2281 with glutamic acid.
Molecular consequence: missense variant.
Genome position (GRCh38, 1-based): chr6:75,123,977, C>T on the plus strand (G>A on the coding strand, the complement: COL12A1 is on the minus strand). VCF-style: chr6-75123977-C-T. GRCh37 (hg19) VCF-style: chr6-75833693-C-T.
Other names: c.3350G>A, p.Gly1117Glu (NM_080645.3); short protein forms G1117E, G2281E.
Identifiers: ClinVar variation 1701508 (VCV001701508.31), dbSNP rs2149373537, ClinGen allele CA364728360.

ClinVar aggregate classification (germline): Uncertain significance (1 of 4 stars; one submission).

Submission:

CeGaT Center for Human Genetics Tuebingen
Classification: Uncertain significance. Last evaluated: 2022-07-01. Review status: criteria provided, single submitter. Criteria: CeGaT Center For Human Genetics Tuebingen Variant Classification Criteria Version 2. Collection method: clinical testing. Allele origin: germline. Affected: yes. Observed: 1 variant allele.
Comment: COL12A1: PM2